The following is an entry in ClinVar:

ClinVar aggregate classification (germline): Pathogenic (1 of 4 stars; one submission).

Submission:

Labcorp Genetics (formerly Invitae), Labcorp
Classification: Pathogenic. Last evaluated: 2023-02-26. Review status: criteria provided, single submitter. Criteria: Invitae Variant Classification Sherloc (09022015). Collection method: clinical testing. Allele origin: germline.
Comment: For these reasons, this variant has been classified as Pathogenic. This variant has not been reported in the literature in individuals affected with ABCC2-related conditions. This variant is not present in population databases (gnomAD no frequency). This sequence change creates a premature translational stop signal (p.Ala364Asnfs*38) in the ABCC2 gene. It is expected to result in an absent or disrupted protein product. Loss-of-function variants in ABCC2 are known to be pathogenic (PMID: 9185779, 16549534, 16952291).

Literature cited by the submitters: PubMed 9185779; PubMed 16549534; PubMed 16952291.

NM_000392.5(ABCC2):c.1089_1090del (p.Ala364fs)

Gene: ABCC2 (ATP binding cassette subfamily C member 2; plus strand). Cytogenetic location: 10q24.2.
Variant type: Microsatellite.
Coding change: c.1089_1090del on transcript NM_000392.5 (MANE Select); coding-DNA positions 1089 to 1090, 2 bases deleted (TG; older notation c.1089_1090delTG).
Protein change: p.Ala364fs; shifts the reading frame from alanine 364.
Molecular consequence: frameshift variant.
Genome position (GRCh38, 1-based): chr10:99,800,443-99,800,444, TG deleted; deleting any 2 consecutive bases within chr10:99,800,441-99,800,444 gives the same sequence; the c. name uses the placement nearest the transcript's 3' end. VCF-style (leftmost placement, unchanged base first): chr10-99800440-CTG-C. GRCh37 (hg19) VCF-style: chr10-101560197-CTG-C.
Other names: short protein forms A364fs.
Identifiers: ClinVar variation 2838807 (VCV002838807.3), dbSNP rs2492873807, ClinGen allele CA2505930437.